The following is an entry in ClinVar:

ClinVar aggregate classification (germline): Benign. Review status: criteria provided, multiple submitters, no conflicts (2 of 4 stars). 6 submissions from 5 submitters: Benign (5). 1 of the submissions does not count toward it. Last evaluated 2026-02-04.

Conditions:
Myopathy, centronuclear, 6, with fiber-type disproportion. Identifiers: MedGen C4540345, MONDO:0054695, OMIM 617760.
Split-foot malformation-mesoaxial polydactyly syndrome. Also called: Split-foot malformation with mesoaxial polydactyly. Identifiers: Orphanet 488232, MedGen C5567487, MONDO:0014816, OMIM 616890.
MAP3K20-related disorder. Also called: MAP3K20-related condition.

Allele frequency attached by ClinVar (database versions not stated): 1000 Genomes Project 0.24541; 1000 Genomes Project 30x 0.24094; TOPMed 0.32048; ESP Exome Variant Server 0.36761.
gnomAD v4.1: 725,783 of 1,611,730 alleles (45%); highest among the groups gnomAD compares: Non-Finnish European, 51%; 175,238 homozygotes.

Submissions (6):

Labcorp Genetics (formerly Invitae), Labcorp
Classification: Benign. Last evaluated: 2026-02-04. Review status: criteria provided, single submitter. Criteria: Invitae Variant Classification Sherloc (09022015). Collection method: clinical testing. Allele origin: germline.

Mayo Clinic Laboratories, Mayo Clinic
Classification: Benign. Last evaluated: 2022-03-24. Review status: criteria provided, single submitter. Criteria: ACMG Guidelines, 2015. Collection method: clinical testing. Allele origin: germline. Observed: 182 variant alleles.

Genome-Nilou Lab
Classification: Benign for Myopathy, centronuclear, 6, with fiber-type disproportion. Last evaluated: 2021-09-05. Review status: criteria provided, single submitter. Criteria: ACMG Guidelines, 2015. Collection method: clinical testing. Allele origin: germline. Affected: no.

Genome-Nilou Lab
Classification: Benign for Split-foot malformation-mesoaxial polydactyly syndrome. Last evaluated: 2021-09-05. Review status: criteria provided, single submitter. Criteria: ACMG Guidelines, 2015. Collection method: clinical testing. Allele origin: germline. Affected: no.

GeneDx
Classification: Benign. Last evaluated: 2021-05-05. Review status: criteria provided, single submitter. Criteria: GeneDx Variant Classification Process June 2021. Collection method: clinical testing. Allele origin: germline. Affected: yes.

PreventionGenetics, part of Exact Sciences
Classification: Benign for MAP3K20-related condition. Last evaluated: 2023-01-26. Review status: no assertion criteria provided. Collection method: clinical testing. Allele origin: germline. Not counted in ClinVar's aggregate classification.
Comment: This variant is classified as benign based on ACMG/AMP sequence variant interpretation guidelines (Richards et al. 2015 PMID: 25741868, with internal and published modifications).

NM_016653.3(MAP3K20):c.1592C>T (p.Ser531Leu)

Genes: MAP3K20 (mitogen-activated protein kinase kinase kinase 20; plus strand), MAP3K20-AS1 (MAP3K20 antisense RNA 1; minus strand). Cytogenetic location: 2q31.1.
Variant type: single nucleotide variant.
Coding change: c.1592C>T on transcript NM_016653.3 (MANE Select); coding-DNA position 1592, C replaced by T.
Protein change: p.Ser531Leu; replaces serine 531 with leucine.
Molecular consequence: missense variant.
Genome position (GRCh38, 1-based): chr2:173,263,785, C>T. VCF-style: chr2-173263785-C-T. GRCh37 (hg19) VCF-style: chr2-174128513-C-T.
Other names: p.Ser531Leu; short protein forms S531L.
Identifiers: ClinVar variation 1268264 (VCV001268264.14), dbSNP rs3769148, ClinGen allele CA1970909.